The following is an entry in ClinVar:

ClinVar aggregate classification (germline): Uncertain significance (1 of 4 stars; one submission).

gnomAD v4.1: 1 of 1,614,250 alleles (0.000062%); highest among the groups gnomAD compares: African/African-American, 0.0013%; no homozygotes.

Submission:

GeneDx
Classification: Uncertain significance. Last evaluated: 2023-07-06. Review status: criteria provided, single submitter. Criteria: GeneDx Variant Classification Process June 2021. Collection method: clinical testing. Allele origin: germline. Affected: yes.
Comment: Not observed at significant frequency in large population cohorts (gnomAD); In silico analysis supports that this missense variant does not alter protein structure/function; Has not been previously published as pathogenic or benign to our knowledge

NM_001194998.2(CEP152):c.4884A>C (p.Gln1628His)

Gene: CEP152 (centrosomal protein 152; minus strand). Cytogenetic location: 15q21.1.
Variant type: single nucleotide variant.
Coding change: c.4884A>C on transcript NM_001194998.2 (MANE Select); coding-DNA position 4884, A replaced by C.
Protein change: p.Gln1628His; replaces glutamine 1628 with histidine.
Molecular consequence: missense variant.
Genome position (GRCh38, 1-based): chr15:48,738,498, T>G on the plus strand (A>C on the coding strand, the complement: CEP152 is on the minus strand). VCF-style: chr15-48738498-T-G. GRCh37 (hg19) VCF-style: chr15-49030695-T-G.
Other names: c.4716A>C, p.Gln1572His (NM_014985.4); short protein forms Q1572H, Q1628H.
Identifiers: ClinVar variation 3360626 (VCV003360626.1).
Genomic context (GRCh38, chr15:48,738,498, plus strand): 5'-CTCCAAATACGTGGTTTCTTCTGACAGGTATGGAGTTTGATAACGCTGACATTTCATTGT[T>G]TGACAAATCATATTACTTTCCTCTGTATCTGAAAGATAACCGGATGGTGAAAACTGTTTG-3'
Protein context (NP_001181927.1, residues 1618-1638): SDTEESNMIC[Gln1628His]TMKCQRYQTP